The following is an entry in ClinVar:

NM_024537.4(CARS2):c.656-205T>G

Gene: CARS2 (cysteinyl-tRNA synthetase 2, mitochondrial; minus strand). Cytogenetic location: 13q34.
Variant type: single nucleotide variant.
Coding change: c.656-205T>G on transcript NM_024537.4 (MANE Select); 205 bases into the intron before coding-DNA position 656, T replaced by G.
Molecular consequence: intron variant.
Genome position (GRCh38, 1-based): chr13:110,677,308, A>C on the plus strand (T>G on the coding strand, the complement: CARS2 is on the minus strand). VCF-style: chr13-110677308-A-C. GRCh37 (hg19) VCF-style: chr13-111329655-A-C.
Other names: c.-131-205T>G (NM_001352252.2); c.656-205T>G (NM_001352253.3).
Identifiers: ClinVar variation 683451 (VCV000683451.1), dbSNP rs80279244, ClinGen allele CA256306645.

ClinVar aggregate classification (germline): Likely benign (1 of 4 stars; one submission).

Allele frequency attached by ClinVar (database versions not stated): gnomAD 0.01546 and 0.01678.
gnomAD v4.1: 750 of 49,028 alleles (1.5%); highest among the groups gnomAD compares: African/African-American, 5.1%; 5 homozygotes.

Submission:

GeneDx
Classification: Likely benign. Last evaluated: 2018-06-14. Review status: criteria provided, single submitter. Criteria: GeneDx Variant Classification (06012015). Collection method: clinical testing. Allele origin: germline. Affected: yes.
Comment: This variant is considered likely benign or benign based on one or more of the following criteria: it is a conservative change, it occurs at a poorly conserved position in the protein, it is predicted to be benign by multiple in silico algorithms, and/or has population frequency not consistent with disease.